The following is an entry in ClinVar:

ClinVar aggregate classification (germline): Likely benign (0 of 4 stars; one submission).

Conditions:
USP26-related disorder. Also called: USP26-related condition.

Submission:

PreventionGenetics, part of Exact Sciences
Classification: Likely benign for USP26-related condition. Last evaluated: 2019-03-20. Review status: no assertion criteria provided. Collection method: clinical testing. Allele origin: germline.
Comment: This variant is classified as likely benign based on ACMG/AMP sequence variant interpretation guidelines (Richards et al. 2015 PMID: 25741868, with internal and published modifications).

NM_031907.3(USP26):c.1983G>T (p.Leu661=)

Gene: USP26 (ubiquitin specific peptidase 26; minus strand). Cytogenetic location: Xq26.2.
Variant type: single nucleotide variant.
Coding change: c.1983G>T on transcript NM_031907.3 (MANE Select); coding-DNA position 1983, G replaced by T.
Protein change: p.Leu661=; no amino-acid change (leucine 661 retained).
Molecular consequence: synonymous variant.
Genome position (GRCh38, 1-based): chrX:133,026,238, C>A on the plus strand (G>T on the coding strand, the complement: USP26 is on the minus strand). VCF-style: chrX-133026238-C-A. GRCh37 (hg19) VCF-style: chrX-132160266-C-A.
Identifiers: ClinVar variation 3047762 (VCV003047762.2), dbSNP rs2524102139, ClinGen allele CA518850254.
Genomic context (GRCh38, chrX:133,026,238, plus strand): 5'-GCCTGGGCTGCTGGCAGGTTTACCTCCAGCTTTGTGGAACTGACAAAGTGAGGTATCTTC[C>A]AGATACGTCATTAAGTGAGCTAACGGTTCTTTTTCAATGAATGCTCGATCTCCTGAGTAT-3'
Protein context (NP_114113.1, residues 651-671): KEPLAHLMTY[Leu661=]EDTSLCQFHK